The following is an entry in ClinVar:

NM_016579.4(CD320):c.23A>G (p.Gln8Arg)

Gene: CD320 (CD320 molecule; minus strand). Cytogenetic location: 19p13.2.
Variant type: single nucleotide variant.
Coding change: c.23A>G on transcript NM_016579.4 (MANE Select); coding-DNA position 23, A replaced by G.
Protein change: p.Gln8Arg; replaces glutamine 8 with arginine.
Molecular consequence: missense variant.
Genome position (GRCh38, 1-based): chr19:8,308,268, T>C on the plus strand (A>G on the coding strand, the complement: CD320 is on the minus strand). VCF-style: chr19-8308268-T-C. GRCh37 (hg19) VCF-style: chr19-8373152-T-C.
Other names: p.Q8R:CAG>CGG; c.23A>G, p.Gln8Arg (NM_001165895.2); short protein forms Q8R.
Identifiers: ClinVar variation 136683 (VCV000136683.12), dbSNP rs2232775, ClinGen allele CA289987.
Genomic context (GRCh38, chr19:8,308,268, plus strand): 5'-CCGAGGCCGAGCAGCAGCAGCAGCGCCAGGCCCAGAGCCCCTGTTCGCCACGCTCCAACC[T>C]GCGCCATCCAACCGCCGCTCATGCTGTCCCCACAGCGGCGCCGGCCACGCGCTGTCCAGA-3'
Protein context (NP_057663.1, residues 1-18): MSGGWMA[Gln8Arg]VGAWRTGALG

ClinVar aggregate classification (germline): Benign. Review status: criteria provided, multiple submitters, no conflicts (2 of 4 stars). 4 submissions from 4 submitters: Benign (4). Last evaluated 2026-02-02.

Conditions:
Methylmalonic acidemia due to transcobalamin receptor defect (MATR). Also called: METHYLMALONIC ACIDEMIA, TCblR TYPE; METHYLMALONIC ACIDURIA, TRANSIENT, DUE TO TRANSCOBALAMIN RECEPTOR DEFECT. Identifiers: Orphanet 280183, MedGen C4749905, MONDO:0013341, OMIM 613646.

Allele frequency attached by ClinVar (database versions not stated): ESP Exome Variant Server 0.12279; TOPMed 0.16492; gnomAD exomes 0.08254; gnomAD 0.15417 and 0.15598; ExAC 0.14031; 1000 Genomes Project 0.20487; 1000 Genomes Project 30x 0.20815.
gnomAD v4.1: 103,741 of 1,582,434 alleles (6.6%); highest among the groups gnomAD compares: African/African-American, 42%; 9,897 homozygotes.

Submissions (4):

Labcorp Genetics (formerly Invitae), Labcorp
Classification: Benign for Methylmalonic acidemia due to transcobalamin receptor defect. Last evaluated: 2026-02-02. Review status: criteria provided, single submitter. Criteria: Invitae Variant Classification Sherloc (09022015). Collection method: clinical testing. Allele origin: germline.

Mayo Clinic Laboratories, Mayo Clinic
Classification: Benign. Last evaluated: 2021-04-07. Review status: criteria provided, single submitter. Criteria: ACMG Guidelines, 2015. Collection method: clinical testing. Allele origin: germline. Observed: 14 variant alleles.

GeneDx
Classification: Benign. Last evaluated: 2013-10-03. Review status: criteria provided, single submitter. Criteria: GeneDx Variant Classification (06012015). Collection method: clinical testing. Allele origin: germline. Affected: yes.
Comment: This variant is considered likely benign or benign based on one or more of the following criteria: it is a conservative change, it occurs at a poorly conserved position in the protein, it is predicted to be benign by multiple in silico algorithms, and/or has population frequency not consistent with disease.

Breakthrough Genomics
Classification: Benign. Review status: criteria provided, single submitter. Criteria: ACMG Guidelines, 2015. Collection method: not provided. Allele origin: germline. Inheritance: Autosomal recessive inheritance. Affected: yes.